The following is an entry in ClinVar:

ClinVar aggregate classification (germline): Benign (3 of 4 stars; one submission).

Conditions:
Breast-ovarian cancer, familial, susceptibility to, 2 (BROVCA2). Also called: BRCA2 Hereditary Breast and Ovarian Cancer. Identifiers: Orphanet 145, MedGen C2675520, MONDO:0012933, OMIM 612555. Disease mechanism: loss of function.

Allele frequency attached by ClinVar (database versions not stated): gnomAD 0.00771 and 0.00726; 1000 Genomes Project 0.00799; TOPMed 0.00807; 1000 Genomes Project 30x 0.00984.
gnomAD v4.1: 1,095 of 152,306 alleles (0.72%); highest among the groups gnomAD compares: African/African-American, 2.5%; 11 homozygotes.

Submission:

Evidence-based Network for the Interpretation of Germline Mutant Alleles (ENIGMA)
Classification: Benign for Breast-ovarian cancer, familial 2. Last evaluated: 2015-01-12. Review status: reviewed by expert panel. Criteria: ENIGMA BRCA1/2 Classification Criteria (2015). Collection method: curation. Allele origin: germline.
Comment: Class 1 not pathogenic based on frequency >1% in an outbred sampleset. Frequency 0.01829 (African), derived from 1000 genomes (2012-04-30).

NM_000059.4(BRCA2):c.8632+2617C>G

Gene: BRCA2 (BRCA2 DNA repair associated; plus strand). Cytogenetic location: 13q13.1.
Variant type: single nucleotide variant.
Coding change: c.8632+2617C>G on transcript NM_000059.4 (MANE Select); 2617 bases into the intron after coding-DNA position 8632, C replaced by G.
Molecular consequence: intron variant.
Genome position (GRCh38, 1-based): chr13:32,373,717, C>G. VCF-style: chr13-32373717-C-G. GRCh37 (hg19) VCF-style: chr13-32947854-C-G.
Other names: IVS 20+2617C>G.
Identifiers: ClinVar variation 209829 (VCV000209829.1), dbSNP rs182505124, ClinGen allele CA276797.
Genomic context (GRCh38, chr13:32,373,717, plus strand): 5'-GGGCAGCTCTGCCCTTTGGCTCTTCAGTCTACAGCCCCTGCAGCTGCTTTCATGGGCTGC[C>G]ATTGAGTGACAGCTGCACAGTGCAGGCTGTCAGTGGGGGATGATGGCCCTCTTCTCACAG-3'